The following is an entry in ClinVar:

ClinVar aggregate classification (germline): Likely benign (1 of 4 stars; one submission).

Allele frequency attached by ClinVar (database versions not stated): gnomAD exomes below 0.00001.
gnomAD v4.1: 1 of 1,613,652 alleles (0.000062%); no homozygotes.

Submission:

CeGaT Center for Human Genetics Tuebingen
Classification: Likely benign. Last evaluated: 2022-07-01. Review status: criteria provided, single submitter. Criteria: CeGaT Center For Human Genetics Tuebingen Variant Classification Criteria Version 2. Collection method: clinical testing. Allele origin: germline. Affected: yes. Observed: 1 variant allele.
Comment: DNM1: PM2:Supporting, BP4, BP7

NM_004408.4(DNM1):c.1839G>A (p.Val613=)

Gene: DNM1 (dynamin 1; plus strand). Cytogenetic location: 9q34.11.
Variant type: single nucleotide variant.
Coding change: c.1839G>A on transcript NM_004408.4 (MANE Select); coding-DNA position 1839, G replaced by A.
Protein change: p.Val613=; no amino-acid change (valine 613 retained).
Molecular consequence: synonymous variant.
Genome position (GRCh38, 1-based): chr9:128,247,432, G>A. VCF-style: chr9-128247432-G-A. GRCh37 (hg19) VCF-style: chr9-131009711-G-A.
Other names: c.1839G>A, p.Val613= (NM_001374269.1, NM_001005336.3, NM_001288737.2 and 2 more transcripts).
Identifiers: ClinVar variation 2659527 (VCV002659527.24), dbSNP rs1836895326, ClinGen allele CA467283149.
Genomic context (GRCh38, chr9:128,247,432, plus strand): 5'-CAGGAATGTCTACAAGGATTATCGGCAGCTGGAGCTAGCCTGTGAGACACAGGAGGAGGT[G>A]GACAGCTGGAAGGCCTCCTTCCTGAGGGCTGGCGTGTACCCTGAGCGTGTTGGGGTGAGT-3'
Protein context (NP_004399.2, residues 603-623): LELACETQEE[Val613=]DSWKASFLRA